The following is an entry in ClinVar:

NM_024598.4(USB1):c.229G>A (p.Glu77Lys)

Gene: USB1 (U6 snRNA biogenesis phosphodiesterase 1; plus strand). Cytogenetic location: 16q21.
Variant type: single nucleotide variant.
Coding change: c.229G>A on transcript NM_024598.4 (MANE Select); coding-DNA position 229, G replaced by A.
Protein change: p.Glu77Lys; replaces glutamic acid 77 with lysine.
Molecular consequence: missense variant.
Genome position (GRCh38, 1-based): chr16:58,002,609, G>A. VCF-style: chr16-58002609-G-A. GRCh37 (hg19) VCF-style: chr16-58036513-G-A.
Other names: c.229G>A, p.Glu77Lys (NM_001195302.2, NM_001204911.2, NM_001330569.2); c.76G>A, p.Glu26Lys (NM_001330568.2); short protein forms E26K, E77K.
Identifiers: ClinVar variation 2171118 (VCV002171118.6), dbSNP rs1226771318, ClinGen allele CA396128856.
Genomic context (GRCh38, chr16:58,002,609, plus strand): 5'-GAGGAGGGGCCTGAAGATGACAGCACAAAACACGGGGGACGGGTGCGCACCTTCCCCCAC[G>A]AGCGAGGCAACTGGGCCACCCACGTCTATGTACCATGTGAGTGATGTGTGAAAGGCAAGT-3'
Protein context (NP_078874.2, residues 67-87): HGGRVRTFPH[Glu77Lys]RGNWATHVYV

ClinVar aggregate classification (germline): Uncertain significance. Review status: criteria provided, multiple submitters, no conflicts (2 of 4 stars). 3 submissions from 3 submitters: Uncertain significance (3). Last evaluated 2025-01-19.

Conditions:
Poikiloderma with neutropenia (PN). Identifiers: Orphanet 221046, MedGen C1858723, MONDO:0011405, OMIM 604173.
Inborn genetic diseases. Identifiers: MedGen C0950123, MeSH D030342.

Allele frequency attached by ClinVar (database versions not stated): TOPMed below 0.00001; gnomAD 0.00001; gnomAD exomes 0.00002.
gnomAD v4.1: 36 of 1,613,850 alleles (0.0022%); highest among the groups gnomAD compares: Middle Eastern, 0.016%; no homozygotes.

Submissions (3):

Ambry Genetics
Classification: Uncertain significance for Inborn genetic diseases. Last evaluated: 2025-01-19. Review status: criteria provided, single submitter. Criteria: Ambry Variant Classification Scheme 2023. Collection method: clinical testing. Allele origin: germline.
Comment: The p.E77K variant (also known as c.229G>A), located in coding exon 2 of the USB1 gene, results from a G to A substitution at nucleotide position 229. The glutamic acid at codon 77 is replaced by lysine, an amino acid with similar properties. This amino acid position is conserved. In addition, this alteration is predicted to be deleterious by in silico analysis. Based on the available evidence, the clinical significance of this variant remains unclear.

Fulgent Genetics
Classification: Uncertain significance for Poikiloderma with neutropenia. Last evaluated: 2024-06-18. Review status: criteria provided, single submitter. Criteria: ACMG Guidelines, 2015. Collection method: clinical testing. Allele origin: germline.

Labcorp Genetics (formerly Invitae), Labcorp
Classification: Uncertain significance. Last evaluated: 2022-06-23. Review status: criteria provided, single submitter. Criteria: Invitae Variant Classification Sherloc (09022015). Collection method: clinical testing. Allele origin: germline.
Comment: This sequence change replaces glutamic acid, which is acidic and polar, with lysine, which is basic and polar, at codon 77 of the USB1 protein (p.Glu77Lys). In summary, the available evidence is currently insufficient to determine the role of this variant in disease. Therefore, it has been classified as a Variant of Uncertain Significance. Algorithms developed to predict the effect of missense changes on protein structure and function are either unavailable or do not agree on the potential impact of this missense change (SIFT: "Not Available"; PolyPhen-2: "Probably Damaging"; Align-GVGD: "Not Available"). This variant has not been reported in the literature in individuals affected with USB1-related conditions. This variant is present in population databases (no rsID available, gnomAD 0.004%).